The following is an entry in ClinVar:

ClinVar aggregate classification (germline): Uncertain significance. Review status: criteria provided, multiple submitters, no conflicts (2 of 4 stars). 3 submissions from 3 submitters: Uncertain significance (3). Last evaluated 2024-11-07.

Conditions:
Inborn genetic diseases. Identifiers: MedGen C0950123, MeSH D030342.
Charcot-Marie-Tooth disease type 4. Also called: Charcot-Marie-Tooth disease, type IV; Charcot-Marie-Tooth, Type 4. Identifiers: Orphanet 64749, MedGen C4082197, MONDO:0018995.

Allele frequency attached by ClinVar (database versions not stated): gnomAD exomes 0.00002 and 0.00007; gnomAD 0.00003; TOPMed 0.00005.
gnomAD v4.1: 42 of 1,613,394 alleles (0.0026%); highest among the groups gnomAD compares: Admixed American, 0.027%; no homozygotes.

Submissions (3):

Ambry Genetics
Classification: Uncertain significance for Inborn genetic diseases. Last evaluated: 2024-11-07. Review status: criteria provided, single submitter. Criteria: Ambry Variant Classification Scheme 2023. Collection method: clinical testing. Allele origin: germline.

GeneDx
Classification: Uncertain significance. Last evaluated: 2023-04-16. Review status: criteria provided, single submitter. Criteria: GeneDx Variant Classification Process June 2021. Collection method: clinical testing. Allele origin: germline. Affected: yes.
Comment: In silico analysis supports that this missense variant does not alter protein structure/function; Has not been previously published as pathogenic or benign to our knowledge

Labcorp Genetics (formerly Invitae), Labcorp
Classification: Uncertain significance for Charcot-Marie-Tooth disease type 4. Last evaluated: 2022-07-22. Review status: criteria provided, single submitter. Criteria: Invitae Variant Classification Sherloc (09022015). Collection method: clinical testing. Allele origin: germline.
Comment: This sequence change replaces leucine, which is neutral and non-polar, with proline, which is neutral and non-polar, at codon 1014 of the PRX protein (p.Leu1014Pro). This variant is present in population databases (rs766119564, gnomAD 0.04%). This variant has not been reported in the literature in individuals affected with PRX-related conditions. ClinVar contains an entry for this variant (Variation ID: 579741). Algorithms developed to predict the effect of missense changes on protein structure and function are either unavailable or do not agree on the potential impact of this missense change (SIFT: "Deleterious"; PolyPhen-2: "Benign"; Align-GVGD: "Class C0"). In summary, the available evidence is currently insufficient to determine the role of this variant in disease. Therefore, it has been classified as a Variant of Uncertain Significance.

NM_181882.3(PRX):c.3041T>C (p.Leu1014Pro)

Gene: PRX (periaxin; minus strand). Cytogenetic location: 19q13.2.
Variant type: single nucleotide variant.
Coding change: c.3041T>C on transcript NM_181882.3 (MANE Select); coding-DNA position 3041, T replaced by C.
Protein change: p.Leu1014Pro; replaces leucine 1014 with proline.
Molecular consequence: missense variant. On other transcripts: 3 prime UTR variant (1).
Genome position (GRCh38, 1-based): chr19:40,395,311, A>G on the plus strand (T>C on the coding strand, the complement: PRX is on the minus strand). VCF-style: chr19-40395311-A-G. GRCh37 (hg19) VCF-style: chr19-40901218-A-G.
Other names: c.*3246T>C (NM_020956.2); short protein forms L1014P.
Identifiers: ClinVar variation 579741 (VCV000579741.11), dbSNP rs766119564, ClinGen allele CA9443930.